The following is an entry in ClinVar:

NM_018368.4(LMBRD1):c.1436G>A (p.Arg479Gln)

Gene: LMBRD1 (LMBR1 domain containing 1; minus strand). Cytogenetic location: 6q13.
Variant type: single nucleotide variant.
Coding change: c.1436G>A on transcript NM_018368.4 (MANE Select); coding-DNA position 1436, G replaced by A.
Protein change: p.Arg479Gln; replaces arginine 479 with glutamine.
Molecular consequence: missense variant.
Genome position (GRCh38, 1-based): chr6:69,676,523, C>T on the plus strand (G>A on the coding strand, the complement: LMBRD1 is on the minus strand). VCF-style: chr6-69676523-C-T. GRCh37 (hg19) VCF-style: chr6-70386415-C-T.
Other names: c.1217G>A, p.Arg406Gln (NM_001363722.2, NM_001367271.1, NM_001367272.1); short protein forms R406Q, R479Q.
Identifiers: ClinVar variation 2157057 (VCV002157057.1), dbSNP rs767484364, ClinGen allele CA3879552.

ClinVar aggregate classification (germline): Uncertain significance (1 of 4 stars; one submission).

Conditions:
Methylmalonic aciduria and homocystinuria type cblF. Also called: COBALAMIN F DISEASE; COBALAMIN, DEFECT IN LYSOSOMAL RELEASE OF; METHYLMALONIC ACIDEMIA AND HOMOCYSTINURIA, cblF TYPE; METHYLMALONIC ACIDURIA DUE TO VITAMIN B12-RELEASE DEFECT; VITAMIN B12 LYSOSOMAL RELEASE DEFECT; VITAMIN B12 STORAGE DISEASE. Identifiers: Orphanet 79284, MedGen C1848578, MONDO:0010183, OMIM 277380.

Allele frequency attached by ClinVar (database versions not stated): TOPMed 0.00001; ExAC 0.00003; gnomAD exomes 0.00003.
gnomAD v4.1: 46 of 1,612,578 alleles (0.0029%); highest among the groups gnomAD compares: Non-Finnish European, 0.0036%; no homozygotes.

Submission:

Labcorp Genetics (formerly Invitae), Labcorp
Classification: Uncertain significance for Methylmalonic aciduria and homocystinuria type cblF. Last evaluated: 2022-10-08. Review status: criteria provided, single submitter. Criteria: Invitae Variant Classification Sherloc (09022015). Collection method: clinical testing. Allele origin: germline.
Comment: This sequence change replaces arginine, which is basic and polar, with glutamine, which is neutral and polar, at codon 479 of the LMBRD1 protein (p.Arg479Gln). This variant is present in population databases (rs767484364, gnomAD 0.005%). This variant has not been reported in the literature in individuals affected with LMBRD1-related conditions. Advanced modeling of protein sequence and biophysical properties (such as structural, functional, and spatial information, amino acid conservation, physicochemical variation, residue mobility, and thermodynamic stability) performed at Invitae indicates that this missense variant is not expected to disrupt LMBRD1 protein function. Algorithms developed to predict the effect of sequence changes on RNA splicing suggest that this variant may create or strengthen a splice site. In summary, the available evidence is currently insufficient to determine the role of this variant in disease. Therefore, it has been classified as a Variant of Uncertain Significance.